The following is an entry in ClinVar:

NM_015192.4(PLCB1):c.862+123C>A

Gene: PLCB1 (phospholipase C beta 1; plus strand). Cytogenetic location: 20p12.3.
Variant type: single nucleotide variant.
Coding change: c.862+123C>A on transcript NM_015192.4 (MANE Select); 123 bases into the intron after coding-DNA position 862, C replaced by A.
Molecular consequence: intron variant.
Genome position (GRCh38, 1-based): chr20:8,658,827, C>A. VCF-style: chr20-8658827-C-A. GRCh37 (hg19) VCF-style: chr20-8639474-C-A.
Other names: c.862+123C>A (NM_182734.3).
Identifiers: ClinVar variation 1235329 (VCV001235329.6), dbSNP rs2076639, ClinGen allele CA14749377.
Genomic context (GRCh38, chr20:8,658,827, plus strand): 5'-GGGAGTTAGGAACACCAGTGATCGTTAGGTTAGTTTCCTCTGTTTACAAGGCATTCCTTT[C>A]GGTCTGAAATCACTTGGTGGTTCAGTGCACTAGGTTTTTCTTTAAACTTTGGTGTGTGAT-3'

ClinVar aggregate classification (germline): Benign. Review status: criteria provided, multiple submitters, no conflicts (2 of 4 stars). 3 submissions from 3 submitters: Benign (3). Last evaluated 2024-07-15.

Allele frequency attached by ClinVar (database versions not stated): TOPMed 0.36761; 1000 Genomes Project 0.31949; 1000 Genomes Project 30x 0.32339.
gnomAD v4.1: 317,096 of 775,094 alleles (41%); highest among the groups gnomAD compares: Admixed American, 45%; 66,904 homozygotes.

Submissions (3):

Unidad de Genómica Garrahan, Hospital de Pediatría Garrahan
Classification: Benign. Last evaluated: 2024-07-15. Review status: criteria provided, single submitter. Criteria: ACMG Guidelines, 2015. Collection method: clinical testing. Allele origin: germline. Affected: no. Observed: 27 variant alleles.
Comment: This variant is classified as Benign based on local population frequency. This variant was detected in 29% of patients studied in a panel designed for Epileptic and Developmental Encephalopathy and Progressive Myoclonus Epilepsy. Number of patients: 27. Only high quality variants are reported.

GeneDx
Classification: Benign. Last evaluated: 2020-11-20. Review status: criteria provided, single submitter. Criteria: GeneDx Variant Classification Process June 2021. Collection method: clinical testing. Allele origin: germline. Affected: yes.

Breakthrough Genomics
Classification: Benign. Review status: criteria provided, single submitter. Criteria: ACMG Guidelines, 2015. Collection method: not provided. Allele origin: germline. Inheritance: Autosomal recessive inheritance. Affected: yes.